The following is an entry in ClinVar:

ClinVar aggregate classification (germline): Conflicting classifications of pathogenicity. Review status: criteria provided, conflicting classifications (1 of 4 stars). 3 submissions from 3 submitters: Uncertain significance (2); Likely benign (1). Last evaluated 2023-03-23.

Conditions:
Hereditary cancer-predisposing syndrome. Also called: Hereditary Cancer Syndrome; Hereditary neoplastic syndrome; Neoplastic Syndromes, Hereditary; Tumor predisposition. Identifiers: Orphanet 140162, MedGen C0027672, MeSH D009386, MONDO:0015356.
Hereditary breast ovarian cancer syndrome. Also called: Hereditary breast and/or ovarian cancer syndrome; Breast and ovarian cancer; BRCA1- and BRCA2-Associated Hereditary Breast and Ovarian Cancer; Hereditary breast and ovarian cancer syndrome; Hereditary breast and ovarian cancer syndrome (HBOC); Hereditary breast and ovarian cancer. Identifiers: Orphanet 145, MedGen C0677776, MeSH D061325, MONDO:0003582. Disease mechanism: loss of function.

Allele frequency attached by ClinVar (database versions not stated): gnomAD exomes below 0.00001; TOPMed below 0.00001.
gnomAD v4.1: 1 of 1,614,056 alleles (0.000062%); highest among the groups gnomAD compares: Non-Finnish European, 0.000085%; no homozygotes.

Submissions (3):

University of Washington Department of Laboratory Medicine, University of Washington
Classification: Likely benign for Hereditary cancer-predisposing syndrome. Last evaluated: 2023-03-23. Review status: criteria provided, single submitter. Criteria: Dines et al. (Genet Med. 2020). Collection method: curation. Allele origin: germline.
Comment: Missense variant in a coldspot region where missense variants are very unlikely to be pathogenic (PMID:31911673).

BRCA1 coldspot (exon 11 using historical exon numbering). Reclassification based on statistical prior probability

Labcorp Genetics (formerly Invitae), Labcorp
Classification: Uncertain significance for Hereditary breast ovarian cancer syndrome. Last evaluated: 2022-04-27. Review status: criteria provided, single submitter. Criteria: Invitae Variant Classification Sherloc (09022015). Collection method: clinical testing. Allele origin: germline.
Comment: In summary, the available evidence is currently insufficient to determine the role of this variant in disease. Therefore, it has been classified as a Variant of Uncertain Significance. Algorithms developed to predict the effect of sequence changes on RNA splicing suggest that this variant may create or strengthen a splice site. Advanced modeling of protein sequence and biophysical properties (such as structural, functional, and spatial information, amino acid conservation, physicochemical variation, residue mobility, and thermodynamic stability) performed at Invitae indicates that this missense variant is not expected to disrupt BRCA1 protein function. ClinVar contains an entry for this variant (Variation ID: 216676). This variant has not been reported in the literature in individuals affected with BRCA1-related conditions. This variant is not present in population databases (gnomAD no frequency). This sequence change replaces alanine, which is neutral and non-polar, with valine, which is neutral and non-polar, at codon 314 of the BRCA1 protein (p.Ala314Val).

Ambry Genetics
Classification: Uncertain significance for Hereditary cancer-predisposing syndrome. Last evaluated: 2022-03-16. Review status: criteria provided, single submitter. Criteria: Ambry Variant Classification Scheme 2023. Collection method: clinical testing. Allele origin: germline.
Comment: The p.A314V variant (also known as c.941C>T), located in coding exon 9 of the BRCA1 gene, results from a C to T substitution at nucleotide position 941. The alanine at codon 314 is replaced by valine, an amino acid with similar properties. This amino acid position is not well conserved in available vertebrate species, and valine is the reference amino acid in other vertebrate species. In addition, this alteration is predicted to be deleterious by in silico analysis. Since supporting evidence is limited at this time, the clinical significance of this alteration remains unclear.

NM_007294.4(BRCA1):c.941C>T (p.Ala314Val)

Gene: BRCA1 (BRCA1 DNA repair associated; minus strand). Cytogenetic location: 17q21.31.
Variant type: single nucleotide variant.
Coding change: c.941C>T on transcript NM_007294.4 (MANE Select); coding-DNA position 941, C replaced by T.
Protein change: p.Ala314Val; replaces alanine 314 with valine.
Molecular consequence: missense variant. On other transcripts: intron variant (137).
Genome position (GRCh38, 1-based): chr17:43,094,590, G>A on the plus strand (C>T on the coding strand, the complement: BRCA1 is on the minus strand). VCF-style: chr17-43094590-G-A. GRCh37 (hg19) VCF-style: chr17-41246607-G-A.
Other names: c.646+154C>T (NM_001408452.1, NM_001408457.1, NM_001408458.1 and 11 more transcripts); c.938C>T, p.Ala313Val (NM_001407628.1, NM_001407632.1, NM_001407634.1 and 22 more transcripts); c.404-3558C>T (NM_001408511.1); c.520+154C>T (NM_001408505.1, NM_001408503.1, NM_001408504.1); c.460+1256C>T (NM_001408507.1, NM_001408506.1); c.545-3558C>T (NM_001408495.1); c.523+154C>T (NM_001408497.1, NM_001408498.1, NM_001408501.1 and 3 more transcripts); c.787+154C>T (NM_001407973.1, NM_001407980.1, NM_001407993.1 and 19 more transcripts); and 40 more; short protein forms A314V, A267V, A244V, A288V, A202V, A226V, A243V, A266V.
Identifiers: ClinVar variation 216676 (VCV000216676.18), dbSNP rs863224766, ClinGen allele CA335896.
Genomic context (GRCh38, chr17:43,094,590, plus strand): 5'-GGAGTCCGCCTATCATTACATGTTTCCTTACTTCCAGCCCATCTGTTATGTTGGCTCCTT[G>A]CTAAGCCAGGCTGTTTGCTTTTATTACAGAATTCAGCCTTTTCTACATTCATTCTGTCTT-3'
Protein context (NP_009225.1, residues 304-324): FCNKSKQPGL[Ala314Val]RSQHNRWAGS